The following is an entry in ClinVar:

ClinVar aggregate classification (germline): Uncertain significance (1 of 4 stars; one submission).

Allele frequency attached by ClinVar (database versions not stated): ExAC 0.00001; gnomAD 0.00001; TOPMed 0.00001.
gnomAD v4.1: 7 of 1,613,742 alleles (0.00043%); highest among the groups gnomAD compares: Non-Finnish European, 0.00059%; no homozygotes.

Submission:

Labcorp Genetics (formerly Invitae), Labcorp
Classification: Uncertain significance. Last evaluated: 2022-07-20. Review status: criteria provided, single submitter. Criteria: Invitae Variant Classification Sherloc (09022015). Collection method: clinical testing. Allele origin: germline.
Comment: Algorithms developed to predict the effect of missense changes on protein structure and function (SIFT, PolyPhen-2, Align-GVGD) all suggest that this variant is likely to be disruptive. This variant has not been reported in the literature in individuals affected with FOXC2-related conditions. This variant is present in population databases (rs746195395, gnomAD 0.002%). This sequence change replaces arginine, which is basic and polar, with leucine, which is neutral and non-polar, at codon 54 of the FOXC2 protein (p.Arg54Leu). In summary, the available evidence is currently insufficient to determine the role of this variant in disease. Therefore, it has been classified as a Variant of Uncertain Significance.

NM_005251.3(FOXC2):c.161G>T (p.Arg54Leu)

Genes: FOXC2 (forkhead box C2; plus strand), FOXC2-AS1 (FOXC2 antisense RNA 1; minus strand). Cytogenetic location: 16q24.1.
Variant type: single nucleotide variant.
Coding change: c.161G>T on transcript NM_005251.3 (MANE Select); coding-DNA position 161, G replaced by T.
Protein change: p.Arg54Leu; replaces arginine 54 with leucine.
Molecular consequence: missense variant.
Genome position (GRCh38, 1-based): chr16:86,567,496, G>T. VCF-style: chr16-86567496-G-T. GRCh37 (hg19) VCF-style: chr16-86601102-G-T.
Other names: short protein forms R54L.
Identifiers: ClinVar variation 2202300 (VCV002202300.4), dbSNP rs746195395, ClinGen allele CA8218275.